The following is an entry in ClinVar:

NM_001267550.2(TTN):c.33340+1dup

Gene: TTN (titin; minus strand). Cytogenetic location: 2q31.2.
Variant type: Duplication.
Coding change: c.33340+1dup on transcript NM_001267550.2 (MANE Select); the canonical splice donor site of the intron after coding-DNA position 33340, one base duplicated (G; older notation c.33340+1dupG).
Molecular consequence: splice donor variant. On other transcripts: intron variant (3).
Genome position (GRCh38, 1-based): chr2:178,681,078, C duplicated on the plus strand (G on the coding strand, the reverse complement: TTN is on the minus strand); the first of 2 consecutive C bases (chr2:178,681,078-178,681,079); duplicating either gives the same sequence. VCF-style (leftmost placement, unchanged base first): chr2-178681077-A-AC. GRCh37 (hg19) VCF-style: chr2-179545804-A-AC.
Other names: c.32389+1dupG (NM_001256850.1); c.13283-38761dup (NM_003319.4); c.13859-38761dup (NM_133437.4); c.13658-38761dup (NM_133432.3); c.29608+1dup (NM_133378.4); c.32389+1dup (NM_001256850.1); c.33340+1dupG (NM_001267550.2).
Identifiers: ClinVar variation 202436 (VCV000202436.12), dbSNP rs794729310, ClinGen allele CA309395.

ClinVar aggregate classification (germline): Uncertain significance. Review status: criteria provided, multiple submitters, no conflicts (2 of 4 stars). 3 submissions from 3 submitters: Uncertain significance (3). Last evaluated 2025-10-30.

Conditions:
TTN-related disorder. Also called: TTN-related condition; TTN-related disease; TTN-related disorders.
Dilated cardiomyopathy 1G (CMD1G). Identifiers: Orphanet 154, MedGen C1858763, MONDO:0011400, OMIM 604145.
Autosomal recessive limb-girdle muscular dystrophy type 2J (LGMDR10). Also called: Limb-girdle muscular dystrophy, type 2J; MUSCULAR DYSTROPHY, LIMB-GIRDLE, AUTOSOMAL RECESSIVE 10. Identifiers: Orphanet 140922, MedGen C1837342, MONDO:0012127, OMIM 608807.

Submissions (3):

PreventionGenetics, part of Exact Sciences
Classification: Uncertain significance for TTN-related condition. Last evaluated: 2025-10-30. Review status: criteria provided, single submitter. Criteria: ACMG Guidelines, 2015. Collection method: clinical testing. Allele origin: germline.
Comment: The TTN c.33340+1dupG variant is predicted to result in a duplication affecting a canonical splice site. This variant is predicted to alter splicing based on available splicing prediction programs (SpliceAI, Jaganathan et al. 2019. PubMed ID: 30661751). However, this variant results in the retainment of a consensus GT donor sequence at the exon/intron junction, and it is unclear whether this variant would impact splicing without functional studies. To our knowledge, this variant has not been reported in the literature or in a large population database (gnomAD), indicating this variant is rare. This variant is interpreted as uncertain significance in ClinVar (Variation ID: 202436). This variant is located near an exon in the I-band region of the TTN protein. RNAseq studies from heart tissue indicate this exon is not commonly included in TTN mRNA transcripts (PSI of 1%-5%, Roberts et al. 2015. PubMed ID: 25589632). Exon skipping would presumably result in an inframe deletion of thirty-one amino acids. A nearby variant located at the last nucleotide of the exon, c.33340G>T, has been predicted to affect splicing and reported in an individual with hypertrophic cardiomyopathy (Table S3, Rayani et al. 2023. PubMed ID: 36138163). At this time, the clinical significance of the c.33340+1dup variant is uncertain due to the absence of conclusive functional and genetic evidence.

Labcorp Genetics (formerly Invitae), Labcorp
Classification: Uncertain significance for Dilated cardiomyopathy 1G; Autosomal recessive limb-girdle muscular dystrophy type 2J. Last evaluated: 2023-01-25. Review status: criteria provided, single submitter. Criteria: Invitae Variant Classification Sherloc (09022015). Collection method: clinical testing. Allele origin: germline.
Comment: Algorithms developed to predict the effect of sequence changes on RNA splicing suggest that this variant may disrupt the consensus splice site. In summary, the available evidence is currently insufficient to determine the role of this variant in disease. Therefore, it has been classified as a Variant of Uncertain Significance. This variant is located in the I band of TTN (PMID: 25589632). Truncating variants in this region have been shown to be highly prevalent in the general population and unaffected individuals (PMID: 26701604, 22335739). However, truncating variants in this region have also been reported in individuals affected with autosomal recessive centronuclear myopathy (PMID: 23975875). ClinVar contains an entry for this variant (Variation ID: 202436). This variant has not been reported in the literature in individuals affected with TTN-related conditions. This variant is not present in population databases (gnomAD no frequency). This sequence change affects a splice site in intron 138 of the TTN gene. It is expected to disrupt RNA splicing and likely results in a truncated or disrupted TTN protein.

GeneDx
Classification: Uncertain significance. Last evaluated: 2014-02-12. Review status: criteria provided, single submitter. Criteria: GeneDx Variant Classification (06012015). Collection method: clinical testing. Allele origin: germline. Affected: yes.
Comment: c.32389+1dupG: IVS136+1dupG in intron 136 of the TTN gene (NM_001256850.1). The normal sequence with the base that is duplicated in braces is: TAAA{G}gtat with exonic sequence represented by capital letters and intronic sequence represented by lower case letters.The c.32389+1dupG variant in the TTN gene has not been reported previously as a disease-causing mutation or as a benign polymorphism, to our knowledge. This variant was not observed in approximately 6,000 individuals of European and African American ancestry in the NHLBI Exome Sequencing Project, indicating it is not a common benign variant in these populations. The c.32389+1dupG variant is predicted to cause abnormal gene splicing and extend the exon by one base pair. This variant is expected to result in either an abnormal, truncated protein product or loss of protein from this allele through nonsense-mediated mRNA decay. However, c.32389+1dupG is not located in the A-band region of titin, where the majority of truncating mutations associated with DCM have been reported (Herman D et al., 2012). Other truncating TTN variants have been reported in approximately 3% of control alleles (Herman D et al., 2012). With the clinical and molecular information available at this time, we cannot definitively determine if c.32389+1dupG is a disease-causing mutation or a rare benign variant. The variant is found in DCM-CRDM panel(s).

Literature cited by the submitters: PubMed 25589632 (cited by Labcorp Genetics (formerly Invitae), Labcorp); PubMed 26701604 (cited by Labcorp Genetics (formerly Invitae), Labcorp); PubMed 22335739 (cited by Labcorp Genetics (formerly Invitae), Labcorp); PubMed 23975875 (cited by Labcorp Genetics (formerly Invitae), Labcorp).